The following is an entry in ClinVar:

ClinVar aggregate classification (germline): Uncertain significance. Review status: criteria provided, multiple submitters, no conflicts (2 of 4 stars). 2 submissions from 2 submitters: Uncertain significance (2). Last evaluated 2025-08-05.

Conditions:
Inborn genetic diseases. Identifiers: MedGen C0950123, MeSH D030342.
Developmental and epileptic encephalopathy, 12 (DEE12). Identifiers: MedGen C3150988, MONDO:0013389, OMIM 613722.

gnomAD v4.1: 8 of 1,606,326 alleles (0.0005%); highest among the groups gnomAD compares: Non-Finnish European, 0.00068%; no homozygotes.

Submissions (2):

Ambry Genetics
Classification: Uncertain significance for Inborn genetic diseases. Last evaluated: 2025-08-05. Review status: criteria provided, single submitter. Criteria: Ambry Variant Classification Scheme 2023. Collection method: clinical testing. Allele origin: germline.

Labcorp Genetics (formerly Invitae), Labcorp
Classification: Uncertain significance for Developmental and epileptic encephalopathy, 12. Last evaluated: 2022-03-14. Review status: criteria provided, single submitter. Criteria: Invitae Variant Classification Sherloc (09022015). Collection method: clinical testing. Allele origin: germline.
Comment: This sequence change replaces serine, which is neutral and polar, with alanine, which is neutral and non-polar, at codon 501 of the PLCB1 protein (p.Ser501Ala). This variant is present in population databases (rs763886018, gnomAD 0.004%). This variant has not been reported in the literature in individuals affected with PLCB1-related conditions. ClinVar contains an entry for this variant (Variation ID: 934846). Algorithms developed to predict the effect of missense changes on protein structure and function (SIFT, PolyPhen-2, Align-GVGD) all suggest that this variant is likely to be tolerated. In summary, the available evidence is currently insufficient to determine the role of this variant in disease. Therefore, it has been classified as a Variant of Uncertain Significance.

NM_015192.4(PLCB1):c.1501T>G (p.Ser501Ala)

Gene: PLCB1 (phospholipase C beta 1; plus strand). Cytogenetic location: 20p12.3.
Variant type: single nucleotide variant.
Coding change: c.1501T>G on transcript NM_015192.4 (MANE Select); coding-DNA position 1501, T replaced by G.
Protein change: p.Ser501Ala; replaces serine 501 with alanine.
Molecular consequence: missense variant.
Genome position (GRCh38, 1-based): chr20:8,717,836, T>G. VCF-style: chr20-8717836-T-G. GRCh37 (hg19) VCF-style: chr20-8698483-T-G.
Other names: c.1501T>G, p.Ser501Ala (NM_182734.3); c.1501T>G (NM_015192.2); short protein forms S501A.
Identifiers: ClinVar variation 934846 (VCV000934846.8), dbSNP rs763886018, ClinGen allele CA9759956.